The following is an entry in ClinVar:

ClinVar aggregate classification (germline): Benign/Likely benign. Review status: criteria provided, multiple submitters, no conflicts (2 of 4 stars). 2 submissions from 2 submitters: Benign (1); Likely benign (1). Last evaluated 2024-05-30.

Conditions:
Familial cancer of breast. Also called: Hereditary breast cancer; hereditary breast carcinoma; BREAST CANCER, FAMILIAL. Identifiers: Orphanet 227535, MedGen C0346153, MONDO:0016419, OMIM 114480. Disease mechanism: loss of function.
Ataxia-telangiectasia syndrome (AT). Also called: Ataxia telangiectasia (A-T); ATAXIA-TELANGIECTASIA, COMPLEMENTATION GROUP A; ATAXIA-TELANGIECTASIA, FRESNO VARIANT; Ataxia-telangiectasia; Ataxia-telangiectasia, complementation group E; LOUIS-BAR SYNDROME. Identifiers: Orphanet 100, MedGen C0004135, MONDO:0008840, OMIM 208900.

Submissions (2):

Myriad Genetics, Inc.
Classification: Benign for Familial cancer of breast. Last evaluated: 2024-05-30. Review status: criteria provided, single submitter. Criteria: Myriad Autosomal Dominant, Autosomal Recessive and X-Linked Classification Criteria (2023). Collection method: clinical testing. Allele origin: unknown.
Comment: This variant is considered benign. This variant is a silent/synonymous amino acid change and it is not expected to impact splicing.

Labcorp Genetics (formerly Invitae), Labcorp
Classification: Likely benign for Ataxia-telangiectasia syndrome. Last evaluated: 2023-03-12. Review status: criteria provided, single submitter. Criteria: Invitae Variant Classification Sherloc (09022015). Collection method: clinical testing. Allele origin: germline.

NM_000051.4(ATM):c.6016T>C (p.Leu2006=)

Genes: ATM (ATM serine/threonine kinase; plus strand), C11orf65 (chromosome 11 open reading frame 65; minus strand). Cytogenetic location: 11q22.3.
Variant type: single nucleotide variant.
Coding change: c.6016T>C on transcript NM_000051.4 (MANE Select); coding-DNA position 6016, T replaced by C.
Protein change: p.Leu2006=; no amino-acid change (leucine 2006 retained).
Molecular consequence: synonymous variant. On other transcripts: intron variant (2).
Genome position (GRCh38, 1-based): chr11:108,315,832, T>C. VCF-style: chr11-108315832-T-C. GRCh37 (hg19) VCF-style: chr11-108186559-T-C.
Other names: c.6016T>C, p.Leu2006= (NM_001351834.2); c.641-6761A>G (NM_001330368.2); c.*39-6761A>G (NM_001351110.2).
Identifiers: ClinVar variation 1159371 (VCV001159371.10), dbSNP rs1555113531, ClinGen allele CA476675579.